The following is an entry in ClinVar:

NM_001611.5(ACP5):c.613C>T (p.His205Tyr)

Gene: ACP5 (acid phosphatase 5, tartrate resistant; minus strand). Cytogenetic location: 19p13.2.
Variant type: single nucleotide variant.
Coding change: c.613C>T on transcript NM_001611.5 (MANE Select); coding-DNA position 613, C replaced by T.
Protein change: p.His205Tyr; replaces histidine 205 with tyrosine.
Molecular consequence: missense variant.
Genome position (GRCh38, 1-based): chr19:11,576,365, G>A on the plus strand (C>T on the coding strand, the complement: ACP5 is on the minus strand). VCF-style: chr19-11576365-G-A. GRCh37 (hg19) VCF-style: chr19-11687180-G-A.
Other names: c.613C>T, p.His205Tyr (NM_001111034.3, NM_001111035.3, NM_001111036.3 and 1 more transcripts); short protein forms H205Y.
Identifiers: ClinVar variation 2662010 (VCV002662010.4), dbSNP rs2512726084, ClinGen allele CA404146485.

ClinVar aggregate classification (germline): Uncertain significance. Review status: criteria provided, multiple submitters, no conflicts (2 of 4 stars). 2 submissions from 2 submitters: Uncertain significance (2). Last evaluated 2023-06-22.

Conditions:
Spondyloenchondrodysplasia with immune dysregulation (SPENCDI). Also called: ROIFMAN IMMUNOSKELETAL SYNDROME; SPONDYLOENCHONDRODYSPLASIA WITH OR WITHOUT IMMUNE DYSREGULATION; COMBINED IMMUNODEFICIENCY WITH AUTOIMMUNITY AND SPONDYLOMETAPHYSEAL DYSPLASIA. Identifiers: Orphanet 1855, MedGen C1842763, MONDO:0011939, OMIM 607944.

Allele frequency attached by ClinVar (database versions not stated): gnomAD exomes below 0.00001.
gnomAD v4.1: 1 of 1,610,186 alleles (0.000062%); highest among the groups gnomAD compares: South Asian, 0.0011%; no homozygotes.

Submissions (2):

Labcorp Genetics (formerly Invitae), Labcorp
Classification: Uncertain significance for Spondyloenchondrodysplasia with immune dysregulation. Last evaluated: 2023-06-22. Review status: criteria provided, single submitter. Criteria: Invitae Variant Classification Sherloc (09022015). Collection method: clinical testing. Allele origin: germline.
Comment: This variant has not been reported in the literature in individuals affected with ACP5-related conditions. In summary, the available evidence is currently insufficient to determine the role of this variant in disease. Therefore, it has been classified as a Variant of Uncertain Significance. Advanced modeling of protein sequence and biophysical properties (such as structural, functional, and spatial information, amino acid conservation, physicochemical variation, residue mobility, and thermodynamic stability) performed at Invitae indicates that this missense variant is expected to disrupt ACP5 protein function. This variant is not present in population databases (gnomAD no frequency). This sequence change replaces histidine, which is basic and polar, with tyrosine, which is neutral and polar, at codon 205 of the ACP5 protein (p.His205Tyr).

GeneDx
Classification: Uncertain significance. Last evaluated: 2023-05-02. Review status: criteria provided, single submitter. Criteria: GeneDx Variant Classification Process June 2021. Collection method: clinical testing. Allele origin: germline. Affected: yes.
Comment: Not observed at significant frequency in large population cohorts (gnomAD); In silico analysis supports that this missense variant has a deleterious effect on protein structure/function; Has not been previously published as pathogenic or benign to our knowledge